The following is an entry in ClinVar:

NM_000419.5(ITGA2B):c.2255T>G (p.Leu752Arg)

Gene: ITGA2B (integrin subunit alpha 2b; minus strand). Cytogenetic location: 17q21.31.
Variant type: single nucleotide variant.
Coding change: c.2255T>G on transcript NM_000419.5 (MANE Select); coding-DNA position 2255, T replaced by G.
Protein change: p.Leu752Arg; replaces leucine 752 with arginine.
Molecular consequence: missense variant.
Genome position (GRCh38, 1-based): chr17:44,377,021, A>C on the plus strand (T>G on the coding strand, the complement: ITGA2B is on the minus strand). VCF-style: chr17-44377021-A-C. GRCh37 (hg19) VCF-style: chr17-42454389-A-C.
Other names: NM_000419.5:c.2255T>G; short protein forms L752R.
Identifiers: ClinVar variation 1879049 (VCV001879049.1), dbSNP rs2510075915, ClinGen allele CA399798192.
Genomic context (GRCh38, chr17:44,377,021, plus strand): 5'-GTCAGACGGGGGAAGGGTGGTGGGTAGGCACGCTCGCCAGGTCAGTACCTCCGTATCTGC[A>C]GCTGGAAGGACACAGACTCCCCAGCCTCTTCCAGATTCCCCACGCTCACCAACATCGCGA-3'
Protein context (NP_000410.2, residues 742-762): EEAGESVSFQ[Leu752Arg]QIRSKNSQNP

ClinVar aggregate classification (germline): Pathogenic (3 of 4 stars; one submission).

Conditions:
Glanzmann thrombasthenia. Also called: PLATELET GLYCOPROTEIN IIb-IIIa DEFICIENCY; BLEEDING DISORDER, PLATELET-TYPE, 2; THROMBASTHENIA OF GLANZMANN AND NAEGELI; Thrombasthenia; Glanzmann's thrombasthenia. Identifiers: Orphanet 849, MedGen C0040015, MONDO:0100326.

Submission:

ClinGen Platelet Disorders Variant Curation Expert Panel, ClinGen
Classification: Pathogenic for Glanzmann thrombasthenia. Last evaluated: 2022-03-07. Review status: reviewed by expert panel. Criteria: ClinGen Platelet ACMG Specifications v2-1. Collection method: curation. Allele origin: germline. Inheritance: Autosomal recessive inheritance.
Comment: The NM_000419.5:c.2255T>G variant in ITGA2B is a missense variant predicted to cause substitution of leucine by arginine at amino acid 752 (p.Leu752Arg). At least one patient (PMID: 19175981, also reported as Patient 180 reported in the Glanzmann Thrombasthenia Database) with this variant displayed mucocutaneous bleeding and impaired aggregation with all agonists except ristocetin, which is highly specific for Glanzmann thrombasthenia. Additionally, αIIb and β3 surface expression was reduced to <5% as measured by flow cytometry (PP4_Strong). This variant is absent from gnomAD v2.1.1 (PM2_Supporting). Surface expression of αIIb measured by flow cytometry in 293T cells transiently co-transfected with c.2255T>G variant αIIb and wild type β3 showed decreased expression at 2.1%, indicating that this variant impacts protein function (PMID: 19175981) (PS3). In summary, this variant meets criteria to be classified as pathogenic for autosomal recessive Glanzmann Thrombasthenia based on the ACMG/AMP criteria applied, as specified by the ClinGen PD-VCEP: PS3, PM2_supporting, PM3, PP4_Strong. (VCEP specifications version 2; date of approval 2/3/2022)

Literature cited by the submitters: PubMed 19175981.